The following is an entry in ClinVar:

ClinVar aggregate classification (germline): Likely benign (1 of 4 stars; one submission).

Allele frequency attached by ClinVar (database versions not stated): ExAC 0.00006; gnomAD exomes 0.00004.
gnomAD v4.1: 53 of 1,573,510 alleles (0.0034%); highest among the groups gnomAD compares: Non-Finnish European, 0.0043%; no homozygotes.

Submission:

CeGaT Center for Human Genetics Tuebingen
Classification: Likely benign. Last evaluated: 2022-10-01. Review status: criteria provided, single submitter. Criteria: CeGaT Center For Human Genetics Tuebingen Variant Classification Criteria Version 2. Collection method: clinical testing. Allele origin: germline. Affected: yes. Observed: 1 variant allele.
Comment: PDPN: BP4, BP7

NM_006474.5(PDPN):c.-196A>G

Gene: PDPN (podoplanin; plus strand). Cytogenetic location: 1p36.21.
Variant type: single nucleotide variant.
Coding change: c.-196A>G on transcript NM_006474.5 (MANE Select); 196 bases upstream of the start codon, A replaced by G.
Molecular consequence: 5 prime UTR variant. On other transcripts: synonymous variant (1).
Genome position (GRCh38, 1-based): chr1:13,583,838, A>G. VCF-style: chr1-13583838-A-G. GRCh37 (hg19) VCF-style: chr1-13910333-A-G.
Other names: c.33A>G, p.Ala11= (NM_198389.2).
Identifiers: ClinVar variation 2638287 (VCV002638287.24), dbSNP rs767340937, ClinGen allele CA609661.